The following is an entry in ClinVar:

NM_001242896.3(DEPDC5):c.1442G>T (p.Cys481Phe)

Gene: DEPDC5 (DEP domain containing 5, GATOR1 subcomplex subunit; plus strand). Cytogenetic location: 22q12.3.
Variant type: single nucleotide variant.
Coding change: c.1442G>T on transcript NM_001242896.3 (MANE Select); coding-DNA position 1442, G replaced by T.
Protein change: p.Cys481Phe; replaces cysteine 481 with phenylalanine.
Molecular consequence: missense variant. On other transcripts: non-coding transcript variant (5).
Genome position (GRCh38, 1-based): chr22:31,810,638, G>T. VCF-style: chr22-31810638-G-T. GRCh37 (hg19) VCF-style: chr22-32206624-G-T.
Other names: c.1442G>T, p.Cys481Phe (NM_001007188.4, NM_001136029.4, NM_001242897.2 and 7 more transcripts); c.1358G>T, p.Cys453Phe (NM_001369901.1, NM_001369902.1); short protein forms C453F, C481F.
Identifiers: ClinVar variation 1011812 (VCV001011812.8), dbSNP rs2088176060, ClinGen allele CA411277085.

ClinVar aggregate classification (germline): Uncertain significance (1 of 4 stars; one submission).

Conditions:
Familial focal epilepsy with variable foci (FPEVF). Identifiers: Orphanet 98820, MedGen C1858477, MONDO:0020310.

Submission:

Labcorp Genetics (formerly Invitae), Labcorp
Classification: Uncertain significance for Familial focal epilepsy with variable foci. Last evaluated: 2020-04-14. Review status: criteria provided, single submitter. Criteria: Invitae Variant Classification Sherloc (09022015). Collection method: clinical testing. Allele origin: germline.
Comment: Algorithms developed to predict the effect of missense changes on protein structure and function output the following: SIFT: "Tolerated"; PolyPhen-2: "Not Available"; Align-GVGD: "Class C0". The phenylalanine amino acid residue is found in multiple mammalian species, suggesting that this missense change does not adversely affect protein function. These predictions have not been confirmed by published functional studies and their clinical significance is uncertain. This variant has not been reported in the literature in individuals with DEPDC5-related conditions. This variant is not present in population databases (ExAC no frequency). This sequence change replaces cysteine with phenylalanine at codon 481 of the DEPDC5 protein (p.Cys481Phe). The cysteine residue is moderately conserved and there is a large physicochemical difference between cysteine and phenylalanine. In summary, the available evidence is currently insufficient to determine the role of this variant in disease. Therefore, it has been classified as a Variant of Uncertain Significance.